The following is an entry in ClinVar:

ClinVar aggregate classification (germline): Uncertain significance. Review status: criteria provided, multiple submitters, no conflicts (2 of 4 stars). 4 submissions from 4 submitters: Uncertain significance (4). Last evaluated 2024-04-23.

Conditions:
Inborn genetic diseases. Identifiers: MedGen C0950123, MeSH D030342.
Wilson disease (WND). Also called: Wilson's disease. Identifiers: Orphanet 905, MedGen C0019202, MONDO:0010200, OMIM 277900. Disease mechanism: loss of function.

Allele frequency attached by ClinVar (database versions not stated): gnomAD 0.00001; TOPMed 0.00002.
gnomAD v4.1: 1 of 1,614,050 alleles (0.000062%); highest among the groups gnomAD compares: Admixed American, 0.0017%; no homozygotes.

Submissions (4):

Revvity Omics, Revvity
Classification: Uncertain significance for Wilson disease. Last evaluated: 2024-04-23. Review status: criteria provided, single submitter. Criteria: ACMG Guidelines, 2015. Collection method: clinical testing. Allele origin: germline.

All of Us Research Program, National Institutes of Health
Classification: Uncertain significance for Wilson disease. Last evaluated: 2023-04-27. Review status: criteria provided, single submitter. Criteria: ACMG Guidelines, 2015. Collection method: clinical testing. Allele origin: germline. Inheritance: Autosomal recessive inheritance. Observed: 2 variant alleles, 2 heterozygotes.
Comment: This study involves interpretation of variants in research participants for the purpose of population health screening. Participant phenotype was not available at the time of variant classification. Additional details can be found in publication PMID: 35346344, PMCID: PMC8962531

Labcorp Genetics (formerly Invitae), Labcorp
Classification: Uncertain significance for Wilson disease. Last evaluated: 2022-07-26. Review status: criteria provided, single submitter. Criteria: Invitae Variant Classification Sherloc (09022015). Collection method: clinical testing. Allele origin: germline.
Comment: This sequence change replaces proline, which is neutral and non-polar, with serine, which is neutral and polar, at codon 461 of the ATP7B protein (p.Pro461Ser). This variant is present in population databases (no rsID available, gnomAD 0.006%). This variant has not been reported in the literature in individuals affected with ATP7B-related conditions. Advanced modeling of protein sequence and biophysical properties (such as structural, functional, and spatial information, amino acid conservation, physicochemical variation, residue mobility, and thermodynamic stability) performed at Invitae indicates that this missense variant is not expected to disrupt ATP7B protein function. In summary, the available evidence is currently insufficient to determine the role of this variant in disease. Therefore, it has been classified as a Variant of Uncertain Significance.

Ambry Genetics
Classification: Uncertain significance for Inborn genetic diseases. Last evaluated: 2021-07-04. Review status: criteria provided, single submitter. Criteria: Ambry Variant Classification Scheme 2023. Collection method: clinical testing. Allele origin: germline.
Comment: The p.P461S variant (also known as c.1381C>T), located in coding exon 3 of the ATP7B gene, results from a C to T substitution at nucleotide position 1381. The proline at codon 461 is replaced by serine, an amino acid with similar properties. This amino acid position is conserved. In addition, this alteration is predicted to be tolerated by in silico analysis. Since supporting evidence is limited at this time, the clinical significance of this alteration remains unclear.

NM_000053.4(ATP7B):c.1381C>T (p.Pro461Ser)

Gene: ATP7B (ATPase copper transporting beta; minus strand). Cytogenetic location: 13q14.3.
Variant type: single nucleotide variant.
Coding change: c.1381C>T on transcript NM_000053.4 (MANE Select); coding-DNA position 1381, C replaced by T.
Protein change: p.Pro461Ser; replaces proline 461 with serine.
Molecular consequence: missense variant.
Genome position (GRCh38, 1-based): chr13:51,970,654, G>A on the plus strand (C>T on the coding strand, the complement: ATP7B is on the minus strand). VCF-style: chr13-51970654-G-A. GRCh37 (hg19) VCF-style: chr13-52544790-G-A.
Other names: c.1381C>T, p.Pro461Ser (NM_001406519.1, NM_001406520.1, NM_001406521.1 and 28 more transcripts); c.1048C>T, p.Pro350Ser (NM_001243182.2); c.1285C>T, p.Pro429Ser (NM_001406517.1, NM_001406518.1, NM_001406530.1 and 3 more transcripts); c.952C>T, p.Pro318Ser (NM_001406539.1); short protein forms P318S, P429S, P461S, P350S.
Identifiers: ClinVar variation 1771295 (VCV001771295.7), dbSNP rs1264892091, ClinGen allele CA388035868.